The following is an entry in ClinVar:

NM_005120.3(MED12):c.1831C>T (p.His611Tyr)

Gene: MED12 (mediator complex subunit 12; plus strand). Cytogenetic location: Xq13.1.
Variant type: single nucleotide variant.
Coding change: c.1831C>T on transcript NM_005120.3 (MANE Select); coding-DNA position 1831, C replaced by T.
Protein change: p.His611Tyr; replaces histidine 611 with tyrosine.
Molecular consequence: missense variant.
Genome position (GRCh38, 1-based): chrX:71,124,245, C>T. VCF-style: chrX-71124245-C-T. GRCh37 (hg19) VCF-style: chrX-70344095-C-T.
Other names: short protein forms H611Y.
Identifiers: ClinVar variation 5017866 (VCV005017866.1).

ClinVar aggregate classification (germline): Uncertain significance (1 of 4 stars; one submission).

Submission:

GeneDx
Classification: Uncertain significance. Last evaluated: 2026-03-28. Review status: criteria provided, single submitter. Criteria: GeneDx Variant Classification Process June 2021. Collection method: clinical testing. Allele origin: germline.
Comment: Not observed at significant frequency in large population cohorts (gnomAD); In silico analysis supports that this missense variant has a deleterious effect on protein structure/function; Has not been previously published as pathogenic or benign to our knowledge